The following is an entry in ClinVar:

ClinVar aggregate classification (germline): Uncertain significance (1 of 4 stars; one submission).

Conditions:
Hereditary cancer-predisposing syndrome. Also called: Hereditary Cancer Syndrome; Hereditary neoplastic syndrome; Neoplastic Syndromes, Hereditary; Tumor predisposition. Identifiers: Orphanet 140162, MedGen C0027672, MeSH D009386, MONDO:0015356.

Submission:

Ambry Genetics
Classification: Uncertain significance for Hereditary cancer-predisposing syndrome. Last evaluated: 2020-12-21. Review status: criteria provided, single submitter. Criteria: Ambry Variant Classification Scheme 2023. Collection method: clinical testing. Allele origin: germline.
Comment: The p.S317L variant (also known as c.950C>T), located in coding exon 10 of the RAD51D gene, results from a C to T substitution at nucleotide position 950. The serine at codon 317 is replaced by leucine, an amino acid with dissimilar properties. This amino acid position is poorly conserved in available vertebrate species. In addition, this alteration is predicted to be tolerated by in silico analysis. Since supporting evidence is limited at this time, the clinical significance of this alteration remains unclear.

NM_002878.4(RAD51D):c.950C>T (p.Ser317Leu)

Genes: RAD51D (RAD51 paralog D; minus strand), RAD51L3-RFFL (RAD51L3-RFFL readthrough; minus strand). Cytogenetic location: 17q12.
Variant type: single nucleotide variant.
Coding change: c.950C>T on transcript NM_002878.4 (MANE Select); coding-DNA position 950, C replaced by T.
Protein change: p.Ser317Leu; replaces serine 317 with leucine.
Molecular consequence: missense variant. On other transcripts: non-coding transcript variant (2).
Genome position (GRCh38, 1-based): chr17:35,100,990, G>A on the plus strand (C>T on the coding strand, the complement: RAD51D is on the minus strand). VCF-style: chr17-35100990-G-A. GRCh37 (hg19) VCF-style: chr17-33428009-G-A.
Other names: c.1010C>T, p.Ser337Leu (NM_001142571.2); c.614C>T, p.Ser205Leu (NM_133629.3); short protein forms S337L, S205L, S317L.
Identifiers: ClinVar variation 1767212 (VCV001767212.2), dbSNP rs2142408915, ClinGen allele CA399086098.